The following is an entry in ClinVar:

ClinVar aggregate classification (germline): Uncertain significance (1 of 4 stars; one submission).

Allele frequency attached by ClinVar (database versions not stated): gnomAD 0.00002; TOPMed 0.00004; ESP Exome Variant Server 0.00017.
gnomAD v4.1: 4 of 1,613,776 alleles (0.00025%); highest among the groups gnomAD compares: African/African-American, 0.0053%; no homozygotes.

Submission:

Labcorp Genetics (formerly Invitae), Labcorp
Classification: Uncertain significance. Last evaluated: 2022-01-12. Review status: criteria provided, single submitter. Criteria: Invitae Variant Classification Sherloc (09022015). Collection method: clinical testing. Allele origin: germline.
Comment: Algorithms developed to predict the effect of missense changes on protein structure and function output the following: SIFT: "Tolerated"; PolyPhen-2: "Benign"; Align-GVGD: "Class C0". The threonine amino acid residue is found in multiple mammalian species, which suggests that this missense change does not adversely affect protein function. ClinVar contains an entry for this variant (Variation ID: 967955). This variant has not been reported in the literature in individuals affected with CEP78-related conditions. This variant is present in population databases (rs371636739, gnomAD 0.01%). This sequence change replaces asparagine, which is neutral and polar, with threonine, which is neutral and polar, at codon 649 of the CEP78 protein (p.Asn649Thr). In summary, the available evidence is currently insufficient to determine the role of this variant in disease. Therefore, it has been classified as a Variant of Uncertain Significance.

NM_001330691.3(CEP78):c.1943A>C (p.Asn648Thr)

Gene: CEP78 (centrosomal protein 78; plus strand). Cytogenetic location: 9q21.2.
Variant type: single nucleotide variant.
Coding change: c.1943A>C on transcript NM_001330691.3 (MANE Select); coding-DNA position 1943, A replaced by C.
Protein change: p.Asn648Thr; replaces asparagine 648 with threonine.
Molecular consequence: missense variant.
Genome position (GRCh38, 1-based): chr9:78,266,539, A>C. VCF-style: chr9-78266539-A-C. GRCh37 (hg19) VCF-style: chr9-80881455-A-C.
Other names: c.1946A>C, p.Asn649Thr (NM_001098802.3, NM_001349839.2); c.1895A>C, p.Asn632Thr (NM_001330693.3, NM_001330694.2); c.1943A>C, p.Asn648Thr (NM_001349838.2); c.1898A>C, p.Asn633Thr (NM_001349840.2, NM_032171.3); short protein forms N648T, N633T, N632T, N649T.
Identifiers: ClinVar variation 967955 (VCV000967955.9), dbSNP rs371636739, ClinGen allele CA5095390.
Genomic context (GRCh38, chr9:78,266,539, plus strand): 5'-CTCTCGACTCCTTTCCTGTCCCAGTTTCTACTCCAGAGGGCTTAGGAACTTCCAGCAACA[A>C]CCTAGGAGTCCCAGCTACTGAGCAGCGGCAGGAGTCTTTTGAAGGATTCATTGCTAGAAT-3'
Protein context (NP_001317620.1, residues 638-658): TPEGLGTSSN[Asn648Thr]LGVPATEQRQ